The following is an entry in ClinVar:

ClinVar aggregate classification (germline): Likely benign. Review status: criteria provided, multiple submitters, no conflicts (2 of 4 stars). 4 submissions from 4 submitters: Likely benign (2). 2 of the submissions do not count toward it. Last evaluated 2023-11-14.

Conditions:
Inborn genetic diseases. Identifiers: MedGen C0950123, MeSH D030342.

Allele frequency attached by ClinVar (database versions not stated): gnomAD exomes 0.00008 and 0.00010; TOPMed 0.00010; ExAC 0.00011; gnomAD 0.00016 and 0.00019.
gnomAD v4.1: 166 of 1,609,142 alleles (0.01%); highest among the groups gnomAD compares: Non-Finnish European, 0.013%; no homozygotes.

Submissions (4):

Ambry Genetics
Classification: Likely benign for Inborn genetic diseases. Last evaluated: 2023-11-14. Review status: criteria provided, single submitter. Criteria: Ambry Variant Classification Scheme 2023. Collection method: clinical testing. Allele origin: germline.

CeGaT Center for Human Genetics Tuebingen
Classification: Likely benign. Last evaluated: 2023-01-01. Review status: criteria provided, single submitter. Criteria: CeGaT Center For Human Genetics Tuebingen Variant Classification Criteria Version 2. Collection method: clinical testing. Allele origin: germline. Affected: yes. Observed: 1 variant allele.
Comment: CHD3: BP4

Diagnostic Laboratory, Department of Genetics, University Medical Center Groningen
Classification: Likely benign. Review status: no assertion criteria provided. Collection method: clinical testing. Allele origin: germline. Affected: yes. Study: VKGL Data-share Consensus. Not counted in ClinVar's aggregate classification.

Joint Genome Diagnostic Labs from Nijmegen and Maastricht, Radboudumc and MUMC+
Classification: Benign. Review status: no assertion criteria provided. Collection method: clinical testing. Allele origin: germline. Affected: yes. Study: VKGL Data-share Consensus. Not counted in ClinVar's aggregate classification.

NM_001005273.3(CHD3):c.4826G>A (p.Arg1609Gln)

Gene: CHD3 (chromodomain helicase DNA binding protein 3; plus strand). Cytogenetic location: 17p13.1.
Variant type: single nucleotide variant.
Coding change: c.4826G>A on transcript NM_001005273.3 (MANE Select); coding-DNA position 4826, G replaced by A.
Protein change: p.Arg1609Gln; replaces arginine 1609 with glutamine.
Molecular consequence: missense variant.
Genome position (GRCh38, 1-based): chr17:7,907,390, G>A. VCF-style: chr17-7907390-G-A. GRCh37 (hg19) VCF-style: chr17-7810708-G-A.
Other names: c.5003G>A (NM_001005271.2); c.5003G>A, p.Arg1668Gln (NM_001005271.3); c.4826G>A, p.Arg1609Gln (NM_005852.4); short protein forms R1609Q, R1668Q.
Identifiers: ClinVar variation 1297596 (VCV001297596.28), dbSNP rs759598225, ClinGen allele CA8363493.
Genomic context (GRCh38, chr17:7,907,390, plus strand): 5'-CTGACCCCATTGTCCTCTTCCAGGCTGATGCCCCCAGCCCAGCCCCATCACTTGGGGAGC[G>A]GCTGGAGCCAAGGAAGATTCCTCTAGAGGATGAGGTGCCAGGGGTGCCTGGAGAGATGGA-3'
Protein context (NP_001005273.1, residues 1599-1619): APSPAPSLGE[Arg1609Gln]LEPRKIPLED